The following is an entry in ClinVar:

NM_000260.4(MYO7A):c.1903T>C (p.Cys635Arg)

Gene: MYO7A (myosin VIIA; plus strand). Cytogenetic location: 11q13.5.
Variant type: single nucleotide variant.
Coding change: c.1903T>C on transcript NM_000260.4 (MANE Select); coding-DNA position 1903, T replaced by C.
Protein change: p.Cys635Arg; replaces cysteine 635 with arginine.
Molecular consequence: missense variant.
Genome position (GRCh38, 1-based): chr11:77,172,853, T>C. VCF-style: chr11-77172853-T-C. GRCh37 (hg19) VCF-style: chr11-76883899-T-C.
Other names: c.1903T>C, p.Cys635Arg (NM_001127180.2); c.1870T>C, p.Cys624Arg (NM_001369365.1); short protein forms C635R, C624R.
Identifiers: ClinVar variation 179146 (VCV000179146.18), dbSNP rs797044514, ClinGen allele CA183808.

ClinVar aggregate classification (germline): Conflicting classifications of pathogenicity. Review status: criteria provided, conflicting classifications (1 of 4 stars). 5 submissions from 5 submitters: Pathogenic (1); Likely pathogenic (3); Uncertain significance (1). Last evaluated 2025-11-06.

Conditions:
Usher syndrome. Also called: Usher Syndromes; Usher's syndrome. Identifiers: Orphanet 886, MedGen CN469326, MeSH D052245, MONDO:0019501. Disease mechanism: loss of function.
Usher syndrome type 1 (USH1). Also called: RETINITIS PIGMENTOSA AND CONGENITAL DEAFNESS. Identifiers: Orphanet 231169, Orphanet 886, MedGen C1568247, MONDO:0010168, OMIM 276900.

Allele frequency attached by ClinVar (database versions not stated): gnomAD exomes below 0.00001.
gnomAD v4.1: 1 of 1,552,172 alleles (0.000064%); highest among the groups gnomAD compares: South Asian, 0.0012%; no homozygotes.

Submissions (5):

Myriad Genetics, Inc.
Classification: Likely pathogenic for Usher syndrome type 1. Last evaluated: 2025-11-06. Review status: criteria provided, single submitter. Criteria: Myriad Autosomal Dominant, Autosomal Recessive and X-Linked Classification Criteria (2023). Collection method: clinical testing. Allele origin: unknown.
Comment: NM_000260.3(MYO7A):c.1903T>C(C635R) is a missense variant classified as likely pathogenic in the context of MYO7A-related disorders. C635R has been observed in cases with relevant disease (PMID: 27743452, 28944237). Relevant functional assessments of this variant are not available in the literature. C635R has not been observed in referenced population frequency databases. In summary, NM_000260.3(MYO7A):c.1903T>C(C635R) is a missense variant that has been observed more frequently in cases with the relevant disease than in healthy populations. Please note: this variant was assessed in the context of healthy population screening.

Labcorp Genetics (formerly Invitae), Labcorp
Classification: Pathogenic. Last evaluated: 2025-09-02. Review status: criteria provided, single submitter. Criteria: Invitae Variant Classification Sherloc (09022015). Collection method: clinical testing. Allele origin: germline.
Comment: This sequence change replaces cysteine, which is neutral and slightly polar, with arginine, which is basic and polar, at codon 635 of the MYO7A protein (p.Cys635Arg). This variant is not present in population databases (gnomAD no frequency). This missense change has been observed in individual(s) with clinical features of Usher syndrome type 1 (PMID: 27743452, 28944237). ClinVar contains an entry for this variant (Variation ID: 179146). Invitae Evidence Modeling of protein sequence and biophysical properties (such as structural, functional, and spatial information, amino acid conservation, physicochemical variation, residue mobility, and thermodynamic stability) indicates that this missense variant is expected to disrupt MYO7A protein function with a positive predictive value of 95%. For these reasons, this variant has been classified as Pathogenic.

Women's Health and Genetics/Laboratory Corporation of America, LabCorp
Classification: Likely pathogenic for Usher syndrome. Last evaluated: 2024-05-17. Review status: criteria provided, single submitter. Criteria: LabCorp Variant Classification Summary - May 2015. Collection method: clinical testing. Allele origin: germline.
Comment: Variant summary: MYO7A c.1903T>C (p.Cys635Arg) results in a non-conservative amino acid change located in the Myosin head, motor domain (IPR001609) of the encoded protein sequence. Five of five in-silico tools predict a damaging effect of the variant on protein function. The variant was absent in 155584 control chromosomes. c.1903T>C has been reported in the literature in homozygous individuals affected with Autosomal Recessive Usher Syndrome (Kletke_2017, Neuhaus_2017). These data indicate that the variant is likely to be associated with disease. To our knowledge, no experimental evidence demonstrating an impact on protein function has been reported. The following publications have been ascertained in the context of this evaluation (PMID: 27743452, 28944237). ClinVar contains an entry for this variant (Variation ID: 179146). Based on the evidence outlined above, the variant was classified as likely pathogenic.

Laboratory for Molecular Medicine, Mass General Brigham Personalized Medicine
Classification: Uncertain significance. Last evaluated: 2022-12-06. Review status: criteria provided, single submitter. Criteria: ACMG Guidelines, 2015. Collection method: clinical testing. Allele origin: germline.
Comment: The p.Cys635Arg variant in MYO7A has been reported in 5 homozygous individuals with hearing loss and retinal dysfunction (Neuhaus 2017 PMID: 28944237, Kletke 2017 PMID: 27743452, LMM data, GeneDx pers. comm.). It was absent from large population studies. This variant has also been reported in ClinVar (Variation ID 179146). Computational prediction tools and conservation analyses suggest that this variant may impact the protein, though this information is not predictive enough to determine pathogenicity. In summary, while there is some suspicion for a pathogenic role, the clinical significance of this variant is uncertain. ACMG/AMP Criteria applied: PM3, PM2_Supporting, PP3.

GeneDx
Classification: Likely pathogenic. Last evaluated: 2019-12-10. Review status: criteria provided, single submitter. Criteria: GeneDx Variant Classification Process June 2021. Collection method: clinical testing. Allele origin: germline. Affected: yes.
Comment: Not observed in large population cohorts (Lek et al., 2016); In silico analysis, which includes protein predictors and evolutionary conservation, supports a deleterious effect; This variant is associated with the following publications: (PMID: 28944237, 27743452)

Literature cited by the submitters: PubMed 27743452 (cited by 3 submitters); PubMed 28944237 (cited by 3 submitters).